The following is an entry in ClinVar:

NM_007254.4(PNKP):c.1074_1085del (p.Arg358_Leu361del)

Gene: PNKP (polynucleotide kinase 3'-phosphatase; minus strand). Cytogenetic location: 19q13.33.
Variant type: Deletion.
Coding change: c.1074_1085del on transcript NM_007254.4 (MANE Select); coding-DNA positions 1074 to 1085, 12 bases deleted (GGCCCTCCTGAG).
Protein change: p.Arg358_Leu361del.
Molecular consequence: inframe deletion.
Genome position (GRCh38, 1-based): chr19:49,862,226-49,862,237, CTCAGGAGGGCC deleted on the plus strand (GGCCCTCCTGAG on the coding strand, the reverse complement: PNKP is on the minus strand); deleting any 12 consecutive bases within chr19:49,862,226-49,862,239 gives the same sequence; the c. name uses the placement nearest the transcript's 3' end. VCF-style (leftmost placement, unchanged base first): chr19-49862225-GCTCAGGAGGGCC-G. GRCh37 (hg19) VCF-style: chr19-50365482-GCTCAGGAGGGCC-G.
Identifiers: ClinVar variation 206434 (VCV000206434.10), dbSNP rs796052865, ClinGen allele CA316537.

ClinVar aggregate classification (germline): Uncertain significance. Review status: criteria provided, multiple submitters, no conflicts (2 of 4 stars). 2 submissions from 2 submitters: Uncertain significance (2). Last evaluated 2022-07-09.

Conditions:
Developmental and epileptic encephalopathy, 12 (DEE12). Identifiers: MedGen C3150988, MONDO:0013389, OMIM 613722.

Submissions (2):

Labcorp Genetics (formerly Invitae), Labcorp
Classification: Uncertain significance for Developmental and epileptic encephalopathy, 12. Last evaluated: 2022-07-09. Review status: criteria provided, single submitter. Criteria: Invitae Variant Classification Sherloc (09022015). Collection method: clinical testing. Allele origin: germline.
Comment: In summary, the available evidence is currently insufficient to determine the role of this variant in disease. Therefore, it has been classified as a Variant of Uncertain Significance. Algorithms developed to predict the effect of sequence changes on RNA splicing suggest that this variant may disrupt the consensus splice site. Experimental studies and prediction algorithms are not available or were not evaluated, and the functional significance of this variant is currently unknown. ClinVar contains an entry for this variant (Variation ID: 206434). This variant has not been reported in the literature in individuals affected with PNKP-related conditions. This variant is not present in population databases (gnomAD no frequency). This variant, c.1074_1085del, results in the deletion of 4 amino acid(s) of the PNKP protein (p.Arg358_Leu361del), but otherwise preserves the integrity of the reading frame.

GeneDx
Classification: Uncertain significance. Last evaluated: 2014-10-29. Review status: criteria provided, single submitter. Criteria: GeneDx Variant Classification (06012015). Collection method: clinical testing. Allele origin: germline. Affected: yes.
Comment: A variant of unknown significance has been identified in the PNKP gene. The c.1074_1085delGGCCCTCCTGAG variant has not been published as a mutation, nor has it been reported as a benign polymorphism to our knowledge. It was not observed in approximately 6,500 individuals of European and African American ancestry in the NHLBI Exome Sequencing Project, indicating it is not a common benign variant in these populations. The c.1074_1085delGGCCCTCCTGAG variant results in an in-frame deletion of four amino acid residues, denoted p.R358_L361del, and is not expected to result in protein truncation or nonsense-mediated mRNA decay. This deletion occurs at a position that is not conserved across species, and in-frame deletions have not been reported in the PNKP gene in association with PNKP-related disorders. Based on the currently available information, it is unclear whether this variant is a pathogenic mutation or a rare benign variant. The variant is found in RETT-EPI panel(s).